The following is an entry in ClinVar:

NM_003247.5(THBS2):c.159G>A (p.Pro53=)

Gene: THBS2 (thrombospondin 2; minus strand). Cytogenetic location: 6q27.
Variant type: single nucleotide variant.
Coding change: c.159G>A on transcript NM_003247.5 (MANE Select); coding-DNA position 159, G replaced by A.
Protein change: p.Pro53=; no amino-acid change (proline 53 retained).
Molecular consequence: synonymous variant. On other transcripts: 5 prime UTR variant (1), non-coding transcript variant (2).
Genome position (GRCh38, 1-based): chr6:169,248,867, C>T on the plus strand (G>A on the coding strand, the complement: THBS2 is on the minus strand). VCF-style: chr6-169248867-C-T. GRCh37 (hg19) VCF-style: chr6-169648962-C-T.
Other names: c.159G>A, p.Pro53= (NM_001381939.1, NM_001381940.1, NM_001381941.1); c.-73G>A (NM_001381942.1).
Identifiers: ClinVar variation 4983398 (VCV004983398.1).

ClinVar aggregate classification (germline): Likely benign (1 of 4 stars; one submission).

Conditions:
THBS2-related disorder. Also called: THBS2-related condition.

Submission:

PreventionGenetics, part of Exact Sciences
Classification: Likely benign for THBS2-related condition. Last evaluated: 2025-12-04. Review status: criteria provided, single submitter. Criteria: ACMG Guidelines, 2015. Collection method: clinical testing. Allele origin: germline.
Comment: This variant is classified as likely benign based on ACMG/AMP sequence variant interpretation guidelines (Richards et al. 2015 PMID: 25741868, with internal and published modifications).